The following is an entry in ClinVar:

ClinVar aggregate classification (germline): Conflicting classifications of pathogenicity. Review status: criteria provided, conflicting classifications (1 of 4 stars). 2 submissions from 2 submitters: Uncertain significance (1); Likely benign (1). Last evaluated 2025-02-07.

Conditions:
Melanoma, cutaneous malignant, susceptibility to, 5. Also called: Cutaneous malignant melanoma 5. Identifiers: Orphanet 618, MedGen C2751295, MONDO:0013133, OMIM 613099.

Allele frequency attached by ClinVar (database versions not stated): 1000 Genomes Project 30x 0.00016; 1000 Genomes Project 0.00020; TOPMed 0.00001; gnomAD exomes 0.00002 and 0.00001; gnomAD 0.00004 and 0.00003.
gnomAD v4.1: 16 of 1,606,522 alleles (0.001%); highest among the groups gnomAD compares: South Asian, 0.0044%; no homozygotes.

Submissions (2):

Ambry Genetics
Classification: Likely benign. Last evaluated: 2025-02-07. Review status: criteria provided, single submitter. Criteria: Ambry Variant Classification Scheme 2023. Collection method: clinical testing. Allele origin: germline.

Labcorp Genetics (formerly Invitae), Labcorp
Classification: Uncertain significance for Melanoma, cutaneous malignant, susceptibility to, 5. Last evaluated: 2022-10-03. Review status: criteria provided, single submitter. Criteria: Invitae Variant Classification Sherloc (09022015). Collection method: clinical testing. Allele origin: germline.
Comment: ClinVar contains an entry for this variant (Variation ID: 566932). This variant has not been reported in the literature in individuals affected with MC1R-related conditions. This variant is present in population databases (rs553516665, gnomAD 0.003%). This sequence change replaces arginine, which is basic and polar, with tryptophan, which is neutral and slightly polar, at codon 162 of the MC1R protein (p.Arg162Trp). Advanced modeling of protein sequence and biophysical properties (such as structural, functional, and spatial information, amino acid conservation, physicochemical variation, residue mobility, and thermodynamic stability) performed at Invitae indicates that this missense variant is not expected to disrupt MC1R protein function. In summary, the available evidence is currently insufficient to determine the role of this variant in disease. Therefore, it has been classified as a Variant of Uncertain Significance.

NM_002386.4(MC1R):c.484C>T (p.Arg162Trp)

Gene: MC1R (melanocortin 1 receptor; plus strand). Cytogenetic location: 16q24.3.
Variant type: single nucleotide variant.
Coding change: c.484C>T on transcript NM_002386.4 (MANE Select); coding-DNA position 484, C replaced by T.
Protein change: p.Arg162Trp; replaces arginine 162 with tryptophan.
Molecular consequence: missense variant.
Genome position (GRCh38, 1-based): chr16:89,919,742, C>T. VCF-style: chr16-89919742-C-T. GRCh37 (hg19) VCF-style: chr16-89986150-C-T.
Other names: short protein forms R162W.
Identifiers: ClinVar variation 566932 (VCV000566932.8), dbSNP rs553516665, ClinGen allele CA8255615.